The following is an entry in ClinVar:

ClinVar aggregate classification (germline): Uncertain significance (1 of 4 stars; one submission).

Conditions:
Xeroderma pigmentosum, group F (XPF). Also called: ERCC4-Related Xeroderma Pigmentosum; XERODERMA PIGMENTOSUM VI; XP, GROUP F; XERODERMA PIGMENTOSUM, COMPLEMENTATION GROUP F; XERODERMA PIGMENTOSUM, TYPE F; Xeroderma pigmentosum, type 6. Identifiers: MedGen C0268140, MONDO:0010215, OMIM 278760.
Fanconi anemia complementation group Q. Identifiers: Orphanet 84, MedGen C3808988, MONDO:0014108, OMIM 615272.
Cockayne syndrome. Identifiers: Orphanet 191, MedGen C0009207, MONDO:0016006.

Submission:

Labcorp Genetics (formerly Invitae), Labcorp
Classification: Uncertain significance for Fanconi anemia complementation group Q; Xeroderma pigmentosum, group F; Cockayne syndrome. Last evaluated: 2021-01-30. Review status: criteria provided, single submitter. Criteria: Invitae Variant Classification Sherloc (09022015). Collection method: clinical testing. Allele origin: germline.
Comment: In summary, the available evidence is currently insufficient to determine the role of this variant in disease. Therefore, it has been classified as a Variant of Uncertain Significance. Nucleotide substitutions within the consensus splice site are a relatively common cause of aberrant splicing (PMID: 17576681, 9536098). Algorithms developed to predict the effect of sequence changes on RNA splicing suggest that this variant is not likely to affect RNA splicing, but this prediction has not been confirmed by published transcriptional studies. This variant has not been reported in the literature in individuals with ERCC4-related conditions. This variant is not present in population databases (ExAC no frequency). This sequence change falls in intron 1 of the ERCC4 gene. It does not directly change the encoded amino acid sequence of the ERCC4 protein. It affects a nucleotide within the consensus splice site of the intron.

Literature cited by the submitters: PubMed 17576681; PubMed 9536098.

NM_005236.3(ERCC4):c.207+6G>T

Gene: ERCC4 (ERCC excision repair 4, endonuclease catalytic subunit; plus strand). Cytogenetic location: 16p13.12.
Variant type: single nucleotide variant.
Coding change: c.207+6G>T on transcript NM_005236.3 (MANE Select); 6 bases into the intron after coding-DNA position 207, G replaced by T.
Molecular consequence: intron variant.
Genome position (GRCh38, 1-based): chr16:13,920,378, G>T. VCF-style: chr16-13920378-G-T. GRCh37 (hg19) VCF-style: chr16-14014235-G-T.
Identifiers: ClinVar variation 1505743 (VCV001505743.6), dbSNP rs2141937518, ClinGen allele CA2573151866.